The following is an entry in ClinVar:

ClinVar aggregate classification (germline): Pathogenic (1 of 4 stars; one submission).

Conditions:
Dystonia 12 (DYT12). Also called: DYT-ATP1A3; Rapid-Onset Dystonia-Parkinsonism (RDP). Identifiers: Orphanet 71517, MedGen C1868681, MONDO:0007496, OMIM 128235.

Submission:

Labcorp Genetics (formerly Invitae), Labcorp
Classification: Pathogenic for Dystonia 12. Last evaluated: 2023-07-14. Review status: criteria provided, single submitter. Criteria: Invitae Variant Classification Sherloc (09022015). Collection method: clinical testing. Allele origin: germline.
Comment: For these reasons, this variant has been classified as Pathogenic. This variant disrupts a region of the ATP1A3 protein in which other variant(s) (p.Gly893Arg) have been determined to be pathogenic (PMID: 24842602). This suggests that this is a clinically significant region of the protein, and that variants that disrupt it are likely to be disease-causing. ClinVar contains an entry for this variant (Variation ID: 1432131). This variant has been observed in individual(s) with alternating hemiplegia (Invitae). This variant is not present in population databases (gnomAD no frequency). This variant, c.2673_2678del, is a complex sequence change that results in the deletion of 3 and insertion of 1 amino acid(s) in the ATP1A3 protein (p.Ser891_Gly893delinsArg).

Literature cited by the submitters: PubMed 24842602.

NM_152296.5(ATP1A3):c.2673_2678del (p.Ser891_Gly893delinsArg)

Gene: ATP1A3 (ATPase Na+/K+ transporting subunit alpha 3; minus strand). Cytogenetic location: 19q13.2.
Variant type: Deletion.
Coding change: c.2673_2678del on transcript NM_152296.5 (MANE Select); coding-DNA positions 2673 to 2678, 6 bases deleted (TTACGG; older notation c.2673_2678delTTACGG).
Protein change: p.Ser891_Gly893delinsArg.
Molecular consequence: inframe indel.
Genome position (GRCh38, 1-based): chr19:41,969,445-41,969,450, CCGTAA deleted on the plus strand (TTACGG on the coding strand, the reverse complement: ATP1A3 is on the minus strand); deleting any 6 consecutive bases within chr19:41,969,445-41,969,451 gives the same sequence; the c. name uses the placement nearest the transcript's 3' end. VCF-style (leftmost placement, unchanged base first): chr19-41969444-CCCGTAA-C. GRCh37 (hg19) VCF-style: chr19-42473596-CCCGTAA-C.
Other names: c.2706_2711del, p.Ser902_Gly904delinsArg (NM_001256213.2); c.2712_2717del, p.Ser904_Gly906delinsArg (NM_001256214.2).
Identifiers: ClinVar variation 1432131 (VCV001432131.6), dbSNP rs2145945805, ClinGen allele CA2573156412.
Genomic context (GRCh38, chr19:41,969,444, plus strand): 5'-CACCCCGGGGATCTTACGGTGGGCAGAGACACAGCACCCTGCCCTACTCACCCACTGCTG[CCCGTAA>C]CTGTCTTCCAGGTCATTGACGGTGCGGTCATCCCAGTTCAGCCGGATGCCCACCAGGTTG-3'